The following is an entry in ClinVar:

ClinVar aggregate classification (germline): Pathogenic (1 of 4 stars; one submission).

Conditions:
Landau-Kleffner syndrome (FESD). Also called: EPILEPSY, FOCAL, WITH SPEECH DISORDER AND WITH OR WITHOUT MENTAL RETARDATION; APHASIA, ACQUIRED, WITH EPILEPSY. Identifiers: Orphanet 1945, Orphanet 725, Orphanet 98818, MedGen C0282512, MONDO:0009509, OMIM 245570.

Submission:

Labcorp Genetics (formerly Invitae), Labcorp
Classification: Pathogenic for Landau-Kleffner syndrome. Last evaluated: 2024-08-30. Review status: criteria provided, single submitter. Criteria: Invitae Variant Classification Sherloc (09022015). Collection method: clinical testing. Allele origin: germline.
Comment: This sequence change replaces cysteine, which is neutral and slightly polar, with arginine, which is basic and polar, at codon 429 of the GRIN2A protein (p.Cys429Arg). This variant is not present in population databases (gnomAD no frequency). This missense change has been observed in individual(s) with clinical features of developmental and epileptic encephalopathy (internal data). In at least one individual the variant was observed to be de novo. Invitae Evidence Modeling of protein sequence and biophysical properties (such as structural, functional, and spatial information, amino acid conservation, physicochemical variation, residue mobility, and thermodynamic stability) indicates that this missense variant is expected to disrupt GRIN2A protein function with a positive predictive value of 95%. For these reasons, this variant has been classified as Pathogenic.

NM_001134407.3(GRIN2A):c.1285T>C (p.Cys429Arg)

Gene: GRIN2A (glutamate ionotropic receptor NMDA type subunit 2A; minus strand). Cytogenetic location: 16p13.2.
Variant type: single nucleotide variant.
Coding change: c.1285T>C on transcript NM_001134407.3 (MANE Select); coding-DNA position 1285, T replaced by C.
Protein change: p.Cys429Arg; replaces cysteine 429 with arginine.
Molecular consequence: missense variant.
Genome position (GRCh38, 1-based): chr16:9,849,799, A>G on the plus strand (T>C on the coding strand, the complement: GRIN2A is on the minus strand). VCF-style: chr16-9849799-A-G. GRCh37 (hg19) VCF-style: chr16-9943656-A-G.
Other names: c.1285T>C, p.Cys429Arg (NM_000833.5, NM_001134408.2); short protein forms C429R.
Identifiers: ClinVar variation 2818624 (VCV002818624.3), dbSNP rs2542861401, ClinGen allele CA394801007.